The following is an entry in ClinVar:

ClinVar aggregate classification (germline): Conflicting classifications of pathogenicity. Review status: criteria provided, conflicting classifications (1 of 4 stars). 4 submissions from 4 submitters: Uncertain significance (1); Likely benign (3). Last evaluated 2026-09-01.

Conditions:
Laron-type isolated somatotropin defect. Also called: GROWTH HORMONE RECEPTOR DEFICIENCY; Laron Syndrome; Growth hormone binding protein deficiency or dysfunction; Growth hormone receptor deficiency or dysfunction; Laron dwarfism; Laron type pituitary dwarfism I. Identifiers: Orphanet 633, MedGen C0271568, MONDO:0009877, OMIM 262500.

Allele frequency attached by ClinVar (database versions not stated): gnomAD exomes 0.00008 and 0.00026; ExAC 0.00033; ESP Exome Variant Server 0.00092; gnomAD 0.00094 and 0.00101; 1000 Genomes Project 0.00100; TOPMed 0.00108; 1000 Genomes Project 30x 0.00125.
gnomAD v4.1: 263 of 1,609,584 alleles (0.016%); highest among the groups gnomAD compares: African/African-American, 0.33%; no homozygotes.

Submissions (4):

CeGaT Center for Human Genetics Tuebingen
Classification: Uncertain significance. Last evaluated: 2026-09-01. Review status: criteria provided, single submitter. Criteria: CeGaT Center For Human Genetics Tuebingen Variant Classification Criteria Version 2. Collection method: clinical testing. Allele origin: germline. Affected: yes. Observed: 1 variant allele.
Comment: GHR: PM2, BP4

Labcorp Genetics (formerly Invitae), Labcorp
Classification: Likely benign. Last evaluated: 2026-01-14. Review status: criteria provided, single submitter. Criteria: Invitae Variant Classification Sherloc (09022015). Collection method: clinical testing. Allele origin: germline.

Women's Health and Genetics/Laboratory Corporation of America, LabCorp
Classification: Likely benign. Last evaluated: 2023-11-01. Review status: criteria provided, single submitter. Criteria: LabCorp Variant Classification Summary - May 2015. Collection method: clinical testing. Allele origin: germline.
Comment: Variant summary: GHR c.1542T>G (p.Cys514Trp) results in a non-conservative amino acid change located in the Growth hormone-binding protein (IPR025871) of the encoded protein sequence. Three of five in-silico tools predict a benign effect of the variant on protein function. The variant allele was found at a frequency of 0.00026 in 249562 control chromosomes, predominantly at a frequency of 0.0038 within the African or African-American subpopulation in the gnomAD database. The observed variant frequency within African or African-American control individuals in the gnomAD database is above the estimated maximal expected allele frequency for a pathogenic variant in GHR causing Growth Hormone Insensitivity phenotype (0.0035), strongly suggesting that the variant is a benign polymorphism found primarily in populations of African or African-American origin. c.1542T>G has been reported in the literature in individuals affected with differences of sex development (DSD) (Zidoune_2022) without evidence for causality. This report does not provide unequivocal conclusions about association of the variant with Growth Hormone Insensitivity. To our knowledge, no experimental evidence demonstrating an impact on protein function has been reported. The following publication have been ascertained in the context of this evaluation (PMID: 36110220). Two submitters have cited clinical-significance assessments for this variant to ClinVar after 2014. All submitters classified the variant as likely benign. Based on the evidence outlined above, the variant was classified as likely benign.

Illumina Laboratory Services, Illumina
Classification: Likely benign for Laron-type isolated somatotropin defect. Last evaluated: 2018-01-12. Review status: criteria provided, single submitter. Criteria: ICSL Variant Classification Criteria 13 December 2019. Collection method: clinical testing. Allele origin: germline.
Comment: This variant was observed in the ICSL laboratory as part of a predisposition screen in an ostensibly healthy population. It had not been previously curated by ICSL or reported in the Human Gene Mutation Database (HGMD: prior to June 1st, 2018), and was therefore a candidate for classification through an automated scoring system. Utilizing variant allele frequency, disease prevalence and penetrance estimates, and inheritance mode, an automated score was calculated to assess if this variant is too frequent to cause the disease. Based on the score and internal cut-off values, a variant classified as likely benign is not then subjected to further curation. The score for this variant resulted in a classification of likely benign for this disease.

Literature cited by the submitters: PubMed 36110220 (cited by Women's Health and Genetics/Laboratory Corporation of America, LabCorp).

NM_000163.5(GHR):c.1542T>G (p.Cys514Trp)

Gene: GHR (growth hormone receptor; plus strand). Cytogenetic location: 5p12.
Variant type: single nucleotide variant.
Coding change: c.1542T>G on transcript NM_000163.5 (MANE Select); coding-DNA position 1542, T replaced by G.
Protein change: p.Cys514Trp; replaces cysteine 514 with tryptophan.
Molecular consequence: missense variant. On other transcripts: 3 prime UTR variant (1).
Genome position (GRCh38, 1-based): chr5:42,719,049, T>G. VCF-style: chr5-42719049-T-G. GRCh37 (hg19) VCF-style: chr5-42719151-T-G.
Other names: c.1563T>G, p.Cys521Trp (NM_001242399.2); c.1542T>G, p.Cys514Trp (NM_001242400.2, NM_001242401.4, NM_001242402.2 and 4 more transcripts); c.1476T>G, p.Cys492Trp (NM_001242460.2); c.*584T>G (NM_001242462.1); short protein forms C492W, C521W, C514W.
Identifiers: ClinVar variation 703334 (VCV000703334.16), dbSNP rs148945224, ClinGen allele CA3254664.